The following is an entry in ClinVar:

NM_003803.4(MYOM1):c.2844C>G (p.Asp948Glu)

Gene: MYOM1 (myomesin 1; minus strand). Cytogenetic location: 18p11.31.
Variant type: single nucleotide variant.
Coding change: c.2844C>G on transcript NM_003803.4 (MANE Select); coding-DNA position 2844, C replaced by G.
Protein change: p.Asp948Glu; replaces aspartic acid 948 with glutamic acid.
Molecular consequence: missense variant.
Genome position (GRCh38, 1-based): chr18:3,126,848, G>C on the plus strand (C>G on the coding strand, the complement: MYOM1 is on the minus strand). VCF-style: chr18-3126848-G-C. GRCh37 (hg19) VCF-style: chr18-3126846-G-C.
Other names: c.2556C>G, p.Asp852Glu (NM_019856.2); short protein forms D852E, D948E.
Identifiers: ClinVar variation 3401842 (VCV003401842.1).

ClinVar aggregate classification (germline): Uncertain significance (1 of 4 stars; one submission).

Submission:

Ambry Genetics
Classification: Uncertain significance. Last evaluated: 2024-07-31. Review status: criteria provided, single submitter. Criteria: Ambry Variant Classification Scheme 2023. Collection method: clinical testing. Allele origin: germline.
Comment: The p.D948E variant (also known as c.2844C>G), located in coding exon 18 of the MYOM1 gene, results from a C to G substitution at nucleotide position 2844. The aspartic acid at codon 948 is replaced by glutamic acid, an amino acid with highly similar properties. This amino acid position is conserved. In addition, the in silico prediction for this alteration is inconclusive. Based on the available evidence, the clinical significance of this variant remains unclear.